The following is an entry in ClinVar:

NM_001430.5(EPAS1):c.722G>A (p.Ser241Asn)

Genes: EPAS1 (endothelial PAS domain protein 1; plus strand), LOC126806210 (BRD4-independent group 4 enhancer GRCh37_chr2:46587586-46588785; plus strand). Cytogenetic location: 2p21.
Variant type: single nucleotide variant.
Coding change: c.722G>A on transcript NM_001430.5 (MANE Select); coding-DNA position 722, G replaced by A.
Protein change: p.Ser241Asn; replaces serine 241 with asparagine.
Molecular consequence: missense variant.
Genome position (GRCh38, 1-based): chr2:46,361,033, G>A. VCF-style: chr2-46361033-G-A. GRCh37 (hg19) VCF-style: chr2-46588172-G-A.
Other names: short protein forms S241N.
Identifiers: ClinVar variation 2456528 (VCV002456528.5), dbSNP rs776349801, ClinGen allele CA1644731.
Genomic context (GRCh38, chr2:46,361,033, plus strand): 5'-GCCTCATCATCATGTGTGAACCAATCCAGCACCCATCCCACATGGACATCCCCCTGGATA[G>A]CAAGACCTTCCTGAGCCGCCACAGCATGGACATGAAGTTCACCTACTGTGATGACAGGTA-3'
Protein context (NP_001421.2, residues 231-251): HPSHMDIPLD[Ser241Asn]KTFLSRHSMD

ClinVar aggregate classification (germline): Conflicting classifications of pathogenicity. Review status: criteria provided, conflicting classifications (1 of 4 stars). 2 submissions from 2 submitters: Uncertain significance (1); Likely benign (1). Last evaluated 2024-01-11.

Conditions:
Inborn genetic diseases. Identifiers: MedGen C0950123, MeSH D030342.

Allele frequency attached by ClinVar (database versions not stated): ExAC 0.00003; gnomAD 0.00009; TOPMed 0.00009.

Submissions (2):

Labcorp Genetics (formerly Invitae), Labcorp
Classification: Uncertain significance. Last evaluated: 2024-01-11. Review status: criteria provided, single submitter. Criteria: Invitae Variant Classification Sherloc (09022015). Collection method: clinical testing. Allele origin: germline.
Comment: This sequence change replaces serine, which is neutral and polar, with asparagine, which is neutral and polar, at codon 241 of the EPAS1 protein (p.Ser241Asn). This variant is present in population databases (rs776349801, gnomAD 0.05%), and has an allele count higher than expected for a pathogenic variant. This variant has not been reported in the literature in individuals affected with EPAS1-related conditions. ClinVar contains an entry for this variant (Variation ID: 2456528). An algorithm developed to predict the effect of missense changes on protein structure and function (PolyPhen-2) suggests that this variant is likely to be disruptive. In summary, the available evidence is currently insufficient to determine the role of this variant in disease. Therefore, it has been classified as a Variant of Uncertain Significance.

Ambry Genetics
Classification: Likely benign for Inborn genetic diseases. Last evaluated: 2022-12-09. Review status: criteria provided, single submitter. Criteria: Ambry Variant Classification Scheme 2023. Collection method: clinical testing. Allele origin: germline.